The following is an entry in ClinVar:

ClinVar aggregate classification (germline): Likely benign (1 of 4 stars; one submission).

Submission:

CeGaT Center for Human Genetics Tuebingen
Classification: Likely benign. Last evaluated: 2026-01-01. Review status: criteria provided, single submitter. Criteria: CeGaT Center For Human Genetics Tuebingen Variant Classification Criteria Version 2. Collection method: clinical testing. Allele origin: germline. Affected: yes. Observed: 1 variant allele.
Comment: ZMYM3: BP4, BP7, BS2

NM_201599.3(ZMYM3):c.2991G>A (p.Glu997=)

Gene: ZMYM3 (zinc finger MYM-type containing 3; minus strand). Cytogenetic location: Xq13.1.
Variant type: single nucleotide variant.
Coding change: c.2991G>A on transcript NM_201599.3 (MANE Select); coding-DNA position 2991, G replaced by A.
Protein change: p.Glu997=; no amino-acid change (glutamic acid 997 retained).
Molecular consequence: synonymous variant.
Genome position (GRCh38, 1-based): chrX:71,245,355, C>T on the plus strand (G>A on the coding strand, the complement: ZMYM3 is on the minus strand). VCF-style: chrX-71245355-C-T. GRCh37 (hg19) VCF-style: chrX-70465205-C-T.
Other names: c.2955G>A, p.Glu985= (NM_001171162.1); c.2991G>A, p.Glu997= (NM_005096.3).
Identifiers: ClinVar variation 4821551 (VCV004821551.4).